The following is an entry in ClinVar:

ClinVar aggregate classification (germline): Uncertain significance. Review status: criteria provided, multiple submitters, no conflicts (2 of 4 stars). 2 submissions from 2 submitters: Uncertain significance (2). Last evaluated 2024-03-25.

Conditions:
Hyper-IgE recurrent infection syndrome 3, autosomal recessive. Also called: HYPER-IgE SYNDROME 3, AUTOSOMAL RECESSIVE, WITH RECURRENT INFECTIONS; Autosomal recessive hyper-IgE syndrome due to ZNF341 deficiency. Identifiers: Orphanet 641368, MedGen C4748969, MONDO:0032654, OMIM 618282.
Combined immunodeficiency due to DOCK8 deficiency (HIES2). Also called: HIES autosomal recessive; HYPER-IgE RECURRENT INFECTION SYNDROME 2, AUTOSOMAL RECESSIVE; HYPER-IgE SYNDROME 2, AUTOSOMAL RECESSIVE, WITH RECURRENT INFECTIONS; Hyper-IgE recurrent infection syndrome, autosomal recessive; DOCK8 Deficiency. Identifiers: Orphanet 217390, MedGen C4722305, MONDO:0009478, OMIM 243700.

Allele frequency attached by ClinVar (database versions not stated): gnomAD exomes 0.00002; ExAC 0.00004; gnomAD 0.00004; TOPMed 0.00007; ESP Exome Variant Server 0.00008.
gnomAD v4.1: 33 of 1,613,902 alleles (0.002%); highest among the groups gnomAD compares: African/African-American, 0.0053%; no homozygotes.

Submissions (2):

Genomic Medicine Center of Excellence, King Faisal Specialist Hospital and Research Centre
Classification: Uncertain significance for Combined immunodeficiency due to DOCK8 deficiency. Last evaluated: 2024-03-25. Review status: criteria provided, single submitter. Criteria: ACMG Guidelines, 2015. Collection method: clinical testing. Allele origin: germline.

Labcorp Genetics (formerly Invitae), Labcorp
Classification: Uncertain significance for Combined immunodeficiency due to DOCK8 deficiency. Last evaluated: 2022-10-25. Review status: criteria provided, single submitter. Criteria: Invitae Variant Classification Sherloc (09022015). Collection method: clinical testing. Allele origin: germline.
Comment: In summary, the available evidence is currently insufficient to determine the role of this variant in disease. Therefore, it has been classified as a Variant of Uncertain Significance. Advanced modeling of protein sequence and biophysical properties (such as structural, functional, and spatial information, amino acid conservation, physicochemical variation, residue mobility, and thermodynamic stability) performed at Invitae indicates that this missense variant is expected to disrupt DOCK8 protein function. ClinVar contains an entry for this variant (Variation ID: 848153). This variant has not been reported in the literature in individuals affected with DOCK8-related conditions. This variant is present in population databases (rs369901029, gnomAD 0.004%). This sequence change replaces arginine, which is basic and polar, with cysteine, which is neutral and slightly polar, at codon 1015 of the DOCK8 protein (p.Arg1015Cys).

NM_203447.4(DOCK8):c.3043C>T (p.Arg1015Cys)

Gene: DOCK8 (dedicator of cytokinesis 8; plus strand). Cytogenetic location: 9p24.3.
Variant type: single nucleotide variant.
Coding change: c.3043C>T on transcript NM_203447.4 (MANE Select); coding-DNA position 3043, C replaced by T.
Protein change: p.Arg1015Cys; replaces arginine 1015 with cysteine.
Molecular consequence: missense variant.
Genome position (GRCh38, 1-based): chr9:396,857, C>T. VCF-style: chr9-396857-C-T. GRCh37 (hg19) VCF-style: chr9-396857-C-T.
Other names: c.2743C>T, p.Arg915Cys (NM_001190458.2); c.2839C>T, p.Arg947Cys (NM_001193536.2); short protein forms R1015C, R915C, R947C.
Identifiers: ClinVar variation 848153 (VCV000848153.7), dbSNP rs369901029, ClinGen allele CA4958476.